The following is an entry in ClinVar:

NM_004706.4(ARHGEF1):c.1691G>A (p.Arg564Gln)

Gene: ARHGEF1 (Rho guanine nucleotide exchange factor 1; plus strand). Cytogenetic location: 19q13.2.
Variant type: single nucleotide variant.
Coding change: c.1691G>A on transcript NM_004706.4 (MANE Select); coding-DNA position 1691, G replaced by A.
Protein change: p.Arg564Gln; replaces arginine 564 with glutamine.
Molecular consequence: missense variant. On other transcripts: non-coding transcript variant (2).
Genome position (GRCh38, 1-based): chr19:41,902,851, G>A. VCF-style: chr19-41902851-G-A. GRCh37 (hg19) VCF-style: chr19-42407001-G-A.
Other names: c.1859G>A, p.Arg620Gln (NM_001396000.1); c.1592G>A, p.Arg531Gln (NM_001396002.1, NM_001396004.1, NM_198977.2); c.1691G>A, p.Arg564Gln (NM_001396003.1, NM_001396006.1); c.1736G>A, p.Arg579Gln (NM_199002.2); short protein forms R564Q, R531Q, R579Q, R620Q.
Identifiers: ClinVar variation 2710374 (VCV002710374.3), dbSNP rs2513889842, ClinGen allele CA406062444.

ClinVar aggregate classification (germline): Uncertain significance (1 of 4 stars; one submission).

Allele frequency attached by ClinVar (database versions not stated): gnomAD exomes below 0.00001.
gnomAD v4.1: 1 of 1,613,202 alleles (0.000062%); highest among the groups gnomAD compares: Non-Finnish European, 0.000085%; no homozygotes.

Submission:

Labcorp Genetics (formerly Invitae), Labcorp
Classification: Uncertain significance. Last evaluated: 2024-01-19. Review status: criteria provided, single submitter. Criteria: Invitae Variant Classification Sherloc (09022015). Collection method: clinical testing. Allele origin: germline.
Comment: This sequence change replaces arginine, which is basic and polar, with glutamine, which is neutral and polar, at codon 579 of the ARHGEF1 protein (p.Arg579Gln). This variant is not present in population databases (gnomAD no frequency). This variant has not been reported in the literature in individuals affected with ARHGEF1-related conditions. An algorithm developed to predict the effect of missense changes on protein structure and function (PolyPhen-2) suggests that this variant is likely to be disruptive. In summary, the available evidence is currently insufficient to determine the role of this variant in disease. Therefore, it has been classified as a Variant of Uncertain Significance.